The following is an entry in ClinVar:

NM_003745.2(SOCS1):c.183C>G (p.His61Gln)

Gene: SOCS1 (suppressor of cytokine signaling 1; minus strand). Cytogenetic location: 16p13.13.
Variant type: single nucleotide variant.
Coding change: c.183C>G on transcript NM_003745.2 (MANE Select); coding-DNA position 183, C replaced by G.
Protein change: p.His61Gln; replaces histidine 61 with glutamine.
Molecular consequence: missense variant.
Genome position (GRCh38, 1-based): chr16:11,255,296, G>C on the plus strand (C>G on the coding strand, the complement: SOCS1 is on the minus strand). VCF-style: chr16-11255296-G-C. GRCh37 (hg19) VCF-style: chr16-11349153-G-C.
Other names: short protein forms H61Q.
Identifiers: ClinVar variation 3772226 (VCV003772226.13).

ClinVar aggregate classification (germline): Uncertain significance (1 of 4 stars; one submission).

Submission:

CeGaT Center for Human Genetics Tuebingen
Classification: Uncertain significance. Last evaluated: 2025-01-01. Review status: criteria provided, single submitter. Criteria: CeGaT Center For Human Genetics Tuebingen Variant Classification Criteria Version 2. Collection method: clinical testing. Allele origin: germline. Affected: yes. Observed: 1 variant allele.
Comment: SOCS1: PM2, PP3